The following is an entry in ClinVar:

ClinVar aggregate classification (germline): Uncertain significance (1 of 4 stars; one submission).

Submission:

Ambry Genetics
Classification: Uncertain significance. Last evaluated: 2025-12-04. Review status: criteria provided, single submitter. Criteria: Ambry Variant Classification Scheme 2023. Collection method: clinical testing. Allele origin: germline.
Comment: The c.488C>T (p.P163L) alteration is located in exon 1 (coding exon 1) of the ACOT2 gene. This alteration results from a C to T substitution at nucleotide position 488, causing the proline (P) at amino acid position 163 to be replaced by a leucine (L). Based on data from gnomAD, the T allele has an overall frequency of <0.001% (1/237900) total alleles studied. The highest observed frequency was 0.006% (1/17934) of East Asian alleles. Based on insufficient or conflicting evidence, the clinical significance of this alteration remains unclear.

NM_006821.6(ACOT2):c.488C>T (p.Pro163Leu)

Genes: ACOT2 (acyl-CoA thioesterase 2; plus strand), HEATR4 (HEAT repeat containing 4; minus strand). Cytogenetic location: 14q24.3.
Variant type: single nucleotide variant.
Coding change: c.488C>T on transcript NM_006821.6 (MANE Select); coding-DNA position 488, C replaced by T.
Protein change: p.Pro163Leu; replaces proline 163 with leucine.
Molecular consequence: missense variant. On other transcripts: intron variant (1).
Genome position (GRCh38, 1-based): chr14:73,569,728, C>T. VCF-style: chr14-73569728-C-T. GRCh37 (hg19) VCF-style: chr14-74036432-C-T.
Other names: c.488C>T, p.Pro163Leu (NM_001364178.1); c.52+332C>T (NM_001364177.1); short protein forms P163L.
Identifiers: ClinVar variation 4636816 (VCV004636816.1).